The following is an entry in ClinVar:

NM_016203.4(PRKAG2):c.-26C>T

Gene: PRKAG2 (protein kinase AMP-activated non-catalytic subunit gamma 2; minus strand). Cytogenetic location: 7q36.1.
Variant type: single nucleotide variant.
Coding change: c.-26C>T on transcript NM_016203.4 (MANE Select); 26 bases upstream of the start codon, C replaced by T.
Molecular consequence: 5 prime UTR variant.
Genome position (GRCh38, 1-based): chr7:151,876,646, G>A on the plus strand (C>T on the coding strand, the complement: PRKAG2 is on the minus strand). VCF-style: chr7-151876646-G-A. GRCh37 (hg19) VCF-style: chr7-151573731-G-A.
Identifiers: ClinVar variation 260692 (VCV000260692.23), dbSNP rs66628686, ClinGen allele CA056633.

ClinVar aggregate classification (germline): Benign. Review status: criteria provided, multiple submitters, no conflicts (2 of 4 stars). 9 submissions from 8 submitters: Benign (6). 3 of the submissions do not count toward it. Last evaluated 2026-01-31.

Conditions:
Lethal congenital glycogen storage disease of heart. Also called: PHOSPHORYLASE KINASE DEFICIENCY OF HEART; GLYCOGEN STORAGE DISEASE OF HEART. Identifiers: Orphanet 439854, MedGen C1849813, MONDO:0009867, OMIM 261740.
Wolff-Parkinson-White pattern. Also called: Auriculoventricular accessory pathway syndrome; WPW SYNDROME; False bundle branch block syndrome; Anomalous ventricular excitation syndrome. Identifiers: MedGen C0043202, MONDO:0008685, OMIM 194200, HP:0001716.
Hypertrophic cardiomyopathy 6. Identifiers: MedGen C1833236, MONDO:0010946, OMIM 600858.

Allele frequency attached by ClinVar (database versions not stated): gnomAD 0.14343 and 0.14737; TOPMed 0.15333; gnomAD exomes 0.17550 and 0.14360; ESP Exome Variant Server 0.12927; ExAC 0.17431; 1000 Genomes Project 0.18890; 1000 Genomes Project 30x 0.18863.
gnomAD v4.1: 230,164 of 1,598,058 alleles (14%); highest among the groups gnomAD compares: Admixed American, 28%; 18,466 homozygotes.

Submissions (9):

Labcorp Genetics (formerly Invitae), Labcorp
Classification: Benign for Lethal congenital glycogen storage disease of heart. Last evaluated: 2026-01-31. Review status: criteria provided, single submitter. Criteria: Invitae Variant Classification Sherloc (09022015). Collection method: clinical testing. Allele origin: germline.

Illumina Laboratory Services, Illumina
Classification: Benign for Hypertrophic cardiomyopathy 6. Last evaluated: 2018-01-13. Review status: criteria provided, single submitter. Criteria: ICSL Variant Classification Criteria 13 December 2019. Collection method: clinical testing. Allele origin: germline.
Comment: This variant was observed in the ICSL laboratory as part of a predisposition screen in an ostensibly healthy population. It had not been previously curated by ICSL or reported in the Human Gene Mutation Database (HGMD: prior to June 1st, 2018), and was therefore a candidate for classification through an automated scoring system. Utilizing variant allele frequency, disease prevalence and penetrance estimates, and inheritance mode, an automated score was calculated to assess if this variant is too frequent to cause the disease. Based on the score and internal cut-off values, a variant classified as benign is not then subjected to further curation. The score for this variant resulted in a classification of benign for this disease.

Illumina Laboratory Services, Illumina
Classification: Benign for Wolff-Parkinson-White pattern. Last evaluated: 2018-01-13. Review status: criteria provided, single submitter. Criteria: ICSL Variant Classification Criteria 13 December 2019. Collection method: clinical testing. Allele origin: germline.
Comment: the same text as in the submission from Illumina Laboratory Services, Illumina above.

GeneDx
Classification: Benign. Last evaluated: 2015-03-03. Review status: criteria provided, single submitter. Criteria: GeneDx Variant Classification Process June 2021. Collection method: clinical testing. Allele origin: germline. Affected: yes.
Comment: This variant is associated with the following publications: (PMID: 16115789, 21813245, 20022652)

Breakthrough Genomics
Classification: Benign. Review status: criteria provided, single submitter. Criteria: ACMG Guidelines, 2015. Collection method: not provided. Allele origin: germline. Inheritance: Autosomal dominant inheritance. Affected: yes.

PreventionGenetics, part of Exact Sciences
Classification: Benign. Review status: criteria provided, single submitter. Criteria: ACMG Guidelines, 2015. Collection method: clinical testing. Allele origin: germline.

Mayo Clinic Laboratories, Mayo Clinic
Classification: Benign. Last evaluated: 2015-12-16. Review status: no assertion criteria provided. Collection method: clinical testing. Allele origin: unknown. Not counted in ClinVar's aggregate classification.

Clinical Genetics DNA and cytogenetics Diagnostics Lab, Erasmus MC, Erasmus Medical Center
Classification: Benign. Review status: no assertion criteria provided. Collection method: clinical testing. Allele origin: germline. Affected: yes. Study: VKGL Data-share Consensus. Not counted in ClinVar's aggregate classification.

Joint Genome Diagnostic Labs from Nijmegen and Maastricht, Radboudumc and MUMC+
Classification: Benign. Review status: no assertion criteria provided. Collection method: clinical testing. Allele origin: germline. Affected: yes. Study: VKGL Data-share Consensus. Not counted in ClinVar's aggregate classification.